The following is an entry in ClinVar:

ClinVar aggregate classification (germline): Benign/Likely benign. Review status: criteria provided, multiple submitters, no conflicts (2 of 4 stars). 7 submissions from 7 submitters: Benign (5); Likely benign (2). Last evaluated 2025-07-28.

Conditions:
Mucopolysaccharidosis, MPS-IV-A (MPS4A). Also called: Mucopolysaccharidosis type IV A; Mucopolysaccharidosis Type IVA; GALACTOSAMINE-6-SULFATASE DEFICIENCY; GALNS DEFICIENCY; MORQUIO A DISEASE; mucopolysaccharidosis type 4A. Identifiers: Orphanet 309297, Orphanet 582, MedGen C0086651, MONDO:0009659, OMIM 253000.

Allele frequency attached by ClinVar (database versions not stated): 1000 Genomes Project 30x 0.01374; 1000 Genomes Project 0.01438; gnomAD exomes 0.01660; ExAC 0.03542; gnomAD 0.00674 and 0.00857; TOPMed 0.00706; ESP Exome Variant Server 0.00763.
gnomAD v4.1: 19,306 of 1,552,104 alleles (1.2%); highest among the groups gnomAD compares: South Asian, 6.3%; 323 homozygotes.

Submissions (7):

Labcorp Genetics (formerly Invitae), Labcorp
Classification: Benign for Mucopolysaccharidosis, MPS-IV-A. Last evaluated: 2025-07-28. Review status: criteria provided, single submitter. Criteria: Invitae Variant Classification Sherloc (09022015). Collection method: clinical testing. Allele origin: germline.

Fulgent Genetics
Classification: Benign for Mucopolysaccharidosis, MPS-IV-A. Last evaluated: 2021-12-04. Review status: criteria provided, single submitter. Criteria: ACMG Guidelines, 2015. Collection method: clinical testing. Allele origin: unknown.

Genome-Nilou Lab
Classification: Benign for Mucopolysaccharidosis, MPS-IV-A. Last evaluated: 2021-11-07. Review status: criteria provided, single submitter. Criteria: ACMG Guidelines, 2015. Collection method: clinical testing. Allele origin: germline. Affected: no.

Laboratory of Diagnosis and Therapy of Lysosomal Disorders, University of Padova
Classification: Benign for Mucopolysaccharidosis, MPS-IV-A. Last evaluated: 2021-02-01. Review status: criteria provided, single submitter. Criteria: ACMG Guidelines, 2015. Collection method: curation. Allele origin: germline. Affected: yes.
Comment: Allele frequency is >5% in gnomAD v2.1.1 (BA1_stand-alone); allele frequency is greater than expected for disorder (BS1_strong);

GeneDx
Classification: Benign. Last evaluated: 2019-06-12. Review status: criteria provided, single submitter. Criteria: GeneDx Variant Classification Process June 2021. Collection method: clinical testing. Allele origin: germline. Affected: yes.
Comment: This variant is associated with the following publications: (PMID: 9375852)

Breakthrough Genomics
Classification: Likely benign. Review status: criteria provided, single submitter. Criteria: ACMG Guidelines, 2015. Collection method: not provided. Allele origin: germline. Inheritance: Autosomal recessive inheritance. Affected: yes.

PreventionGenetics, part of Exact Sciences
Classification: Likely benign. Review status: criteria provided, single submitter. Criteria: ACMG Guidelines, 2015. Collection method: clinical testing. Allele origin: germline.

Literature cited by the submitters: PubMed 9375852 (cited by Laboratory of Diagnosis and Therapy of Lysosomal Disorders, University of Padova); PubMed 34387910 (cited by Laboratory of Diagnosis and Therapy of Lysosomal Disorders, University of Padova).

NM_000512.5(GALNS):c.1003-42C>T

Gene: GALNS (galactosamine (N-acetyl)-6-sulfatase; minus strand). Cytogenetic location: 16q24.3.
Variant type: single nucleotide variant.
Coding change: c.1003-42C>T on transcript NM_000512.5 (MANE Select); 42 bases into the intron before coding-DNA position 1003, C replaced by T.
Molecular consequence: intron variant.
Genome position (GRCh38, 1-based): chr16:88,826,880, G>A on the plus strand (C>T on the coding strand, the complement: GALNS is on the minus strand). VCF-style: chr16-88826880-G-A. GRCh37 (hg19) VCF-style: chr16-88893288-G-A.
Other names: c.448-42C>T (NM_001323543.2); c.1021-42C>T (NM_001323544.2).
Identifiers: ClinVar variation 256331 (VCV000256331.19), dbSNP rs139088253, ClinGen allele CA8234851.
Genomic context (GRCh38, chr16:88,826,880, plus strand): 5'-TGCCCAGCTGGTGGCTCACCTGAAACACATGGCAGCAACACGGTCAGGGCACTCTGCACC[G>A]ACCCGATGGGGCTGGGGGCCAATCCCTGGGGGGGCGTGAGCCCCGCTGCCCAGCTGGGTC-3'